The following is an entry in ClinVar:

NM_145239.3(PRRT2):c.689G>A (p.Arg230Lys)

Genes: MVP-DT (MVP divergent transcript; minus strand), PRRT2 (proline rich transmembrane protein 2; plus strand). Cytogenetic location: 16p11.2.
Variant type: single nucleotide variant.
Coding change: c.689G>A on transcript NM_145239.3 (MANE Select); coding-DNA position 689, G replaced by A.
Protein change: p.Arg230Lys; replaces arginine 230 with lysine.
Molecular consequence: missense variant.
Genome position (GRCh38, 1-based): chr16:29,813,743, G>A. VCF-style: chr16-29813743-G-A. GRCh37 (hg19) VCF-style: chr16-29825064-G-A.
Other names: c.689G>A, p.Arg230Lys (NM_001256442.2, NM_001256443.2); short protein forms R230K.
Identifiers: ClinVar variation 1953716 (VCV001953716.5), dbSNP rs1398676958, ClinGen allele CA395479295.

ClinVar aggregate classification (germline): Uncertain significance (1 of 4 stars; one submission).

Conditions:
Episodic kinesigenic dyskinesia (EKD). Also called: Paroxysmal kinesigenic dyskinesia. Identifiers: Orphanet 98809, MedGen C1868682, MONDO:0044202.

Allele frequency attached by ClinVar (database versions not stated): gnomAD exomes below 0.00001.
gnomAD v4.1: 3 of 1,586,994 alleles (0.00019%); highest among the groups gnomAD compares: Non-Finnish European, 0.00026%; no homozygotes.

Submission:

Labcorp Genetics (formerly Invitae), Labcorp
Classification: Uncertain significance for Episodic kinesigenic dyskinesia. Last evaluated: 2023-08-04. Review status: criteria provided, single submitter. Criteria: Invitae Variant Classification Sherloc (09022015). Collection method: clinical testing. Allele origin: germline.
Comment: This sequence change replaces arginine, which is basic and polar, with lysine, which is basic and polar, at codon 230 of the PRRT2 protein (p.Arg230Lys). This variant is not present in population databases (gnomAD no frequency). This variant has not been reported in the literature in individuals affected with PRRT2-related conditions. ClinVar contains an entry for this variant (Variation ID: 1953716). Advanced modeling of protein sequence and biophysical properties (such as structural, functional, and spatial information, amino acid conservation, physicochemical variation, residue mobility, and thermodynamic stability) performed at Invitae indicates that this missense variant is not expected to disrupt PRRT2 protein function. In summary, the available evidence is currently insufficient to determine the role of this variant in disease. Therefore, it has been classified as a Variant of Uncertain Significance.